The following is an entry in ClinVar:

ClinVar aggregate classification (germline): Pathogenic (1 of 4 stars; one submission).

Conditions:
Autosomal recessive titinopathy. Identifiers: MedGen CN315649, MONDO:0100493.

gnomAD v4.1: 1 of 1,613,762 alleles (0.000062%); highest among the groups gnomAD compares: Non-Finnish European, 0.000085%; no homozygotes.

Submission:

Myofin, Folkhalsan Research Center
Classification: Pathogenic for Autosomal recessive titinopathy. Last evaluated: 2026-02-06. Review status: criteria provided, single submitter. Criteria: ACMG Guidelines, 2015. Collection method: research. Allele origin: germline. Affected: yes.
Comment: TTN loss-of-function is an established mechanism for autosomal recessive titinopathies. ACMG/AMP criteria applied: PVS1 (predicted loss of function), PM2_Supporting (absent/rare in population databases), and PP4_Supporting (highly consistent clinical phenotype). Overall classification: Pathogenic for recessive titinopathy.

Literature cited by the submitters: DOI 10.1101/2025.07.17.25331119.

NM_001267550.2(TTN):c.27435G>A (p.Trp9145Ter)

Gene: TTN (titin; minus strand). Cytogenetic location: 2q31.2.
Variant type: single nucleotide variant.
Coding change: c.27435G>A on transcript NM_001267550.2 (MANE Select); coding-DNA position 27435, G replaced by A.
Protein change: p.Trp9145Ter; replaces tryptophan 9145 with a stop codon.
Molecular consequence: nonsense. On other transcripts: intron variant (3).
Genome position (GRCh38, 1-based): chr2:178,712,487, C>T on the plus strand (G>A on the coding strand, the complement: TTN is on the minus strand). VCF-style: chr2-178712487-C-T. GRCh37 (hg19) VCF-style: chr2-179577214-C-T.
Other names: c.26484G>A, p.Trp8828Ter (NM_001256850.1); c.23703G>A, p.Trp7901Ter (NM_133378.4); c.13282+25595G>A (NM_003319.4); c.13858+25595G>A (NM_133437.4); c.13657+25595G>A (NM_133432.3); short protein forms W7901*, W8828*, W9145*.
Identifiers: ClinVar variation 4795223 (VCV004795223.1).